The following is an entry in ClinVar:

NM_000260.4(MYO7A):c.2882_2897del (p.Gly961fs)

Gene: MYO7A (myosin VIIA; plus strand). Cytogenetic location: 11q13.5.
Variant type: Deletion.
Coding change: c.2882_2897del on transcript NM_000260.4 (MANE Select); coding-DNA positions 2882 to 2897, 16 bases deleted (GCCAGGCACCTAGTGG).
Protein change: p.Gly961fs; shifts the reading frame from glycine 961.
Molecular consequence: frameshift variant.
Genome position (GRCh38, 1-based): chr11:77,181,567-77,181,582, GCCAGGCACCTAGTGG deleted; deleting any 16 consecutive bases within chr11:77,181,565-77,181,582 gives the same sequence; the c. name uses the placement nearest the transcript's 3' end. VCF-style (leftmost placement, unchanged base first): chr11-77181564-AGGGCCAGGCACCTAGT-A. GRCh37 (hg19) VCF-style: chr11-76892610-AGGGCCAGGCACCTAGT-A.
Other names: c.2882_2897del, p.Gly961fs (NM_001127180.2); c.2849_2864del, p.Gly950fs (NM_001369365.1); short protein forms G950fs, G961fs.
Identifiers: ClinVar variation 4818020 (VCV004818020.1).

ClinVar aggregate classification (germline): Likely pathogenic (1 of 4 stars; one submission).

Conditions:
Usher syndrome type 1B (USH1B). Also called: Usher syndrome type IB. Identifiers: MedGen C1848638, MONDO:0700087.

Submission:

Natera, Inc.
Classification: Likely pathogenic for Usher syndrome type 1B. Last evaluated: 2025-06-25. Review status: criteria provided, single submitter. Criteria: Natera Variant Classification Schema (03/2026). Collection method: clinical testing. Allele origin: germline.
Comment: The c.2882_2897del variant in MYO7A is a frameshift variant predicted to shift the reading frame beginning at codon 961 and leads to a stop codon 96 codons downstream. This variant is expected to result in nonsense mediated decay, truncation, or a dysfunctional protein product. This variant is rare in the general population with a frequency below the threshold expected for the associated phenotype(s). Given the available evidence, this variant is classified as Likely Pathogenic.